The following is an entry in ClinVar:

ClinVar aggregate classification (germline): Conflicting classifications of pathogenicity. Review status: criteria provided, conflicting classifications (1 of 4 stars). 6 submissions from 6 submitters: Uncertain significance (4); Likely benign (1). 1 of the submissions does not count toward it. Last evaluated 2025-07-14.

Conditions:
Familial cancer of breast. Also called: hereditary breast carcinoma; Hereditary breast cancer; BREAST CANCER, FAMILIAL. Identifiers: Orphanet 227535, MedGen C0346153, MONDO:0016419, OMIM 114480. Disease mechanism: loss of function.
Hereditary cancer-predisposing syndrome. Also called: Neoplastic Syndromes, Hereditary; Hereditary Cancer Syndrome; Tumor predisposition; Hereditary neoplastic syndrome. Identifiers: Orphanet 140162, MedGen C0027672, MeSH D009386, MONDO:0015356.
Hereditary breast ovarian cancer syndrome. Also called: Hereditary breast and ovarian cancer syndrome; Hereditary breast and ovarian cancer syndrome (HBOC); Hereditary breast and ovarian cancer; Hereditary breast and/or ovarian cancer syndrome; Breast and ovarian cancer; BRCA1- and BRCA2-Associated Hereditary Breast and Ovarian Cancer. Identifiers: Orphanet 145, MedGen C0677776, MeSH D061325, MONDO:0003582. Disease mechanism: loss of function.

Allele frequency attached by ClinVar (database versions not stated): ExAC 0.00001; gnomAD exomes 0.00001.
gnomAD v4.1: 3 of 1,611,348 alleles (0.00019%); highest among the groups gnomAD compares: East Asian, 0.0045%; no homozygotes.

Submissions (6):

Labcorp Genetics (formerly Invitae), Labcorp
Classification: Uncertain significance for Hereditary breast ovarian cancer syndrome. Last evaluated: 2025-07-14. Review status: criteria provided, single submitter. Criteria: Invitae Variant Classification Sherloc (09022015). Collection method: clinical testing. Allele origin: germline.
Comment: This sequence change replaces lysine, which is basic and polar, with threonine, which is neutral and polar, at codon 1875 of the BRCA2 protein (p.Lys1875Thr). This variant is present in population databases (rs587782583, gnomAD 0.006%). This missense change has been observed in individual(s) with clinical features of BRCA2-related conditions (PMID: 35918668). ClinVar contains an entry for this variant (Variation ID: 638886). Invitae Evidence Modeling of protein sequence and biophysical properties (such as structural, functional, and spatial information, amino acid conservation, physicochemical variation, residue mobility, and thermodynamic stability) indicates that this missense variant is not expected to disrupt BRCA2 protein function with a negative predictive value of 95%. In summary, the available evidence is currently insufficient to determine the role of this variant in disease. Therefore, it has been classified as a Variant of Uncertain Significance.

Color Diagnostics, LLC DBA Color Health
Classification: Uncertain significance for Hereditary cancer-predisposing syndrome. Last evaluated: 2025-03-04. Review status: criteria provided, single submitter. Criteria: ACMG Guidelines, 2015. Collection method: clinical testing. Allele origin: germline.
Comment: This missense variant replaces lysine with threonine at codon 1875 of the BRCA2 protein. Computational prediction suggests that this variant may not impact protein structure and function. To our knowledge, functional studies have not been reported for this variant. This variant has been detected in a breast cancer case-control meta-analysis in 1/60466 cases and 1/53461 unaffected individuals (PMID: 33471991; Leiden Open Variation Database DB-ID BRCA2_001647). A multifactorial analysis has reported likelihood ratios for pathogenicity based on tumor pathology and co-occurrence with a pathogenic covariant of 1.07 and 1.02, respectively (PMID: 31131967). This variant has been identified in 2/247818 chromosomes in the general population by the Genome Aggregation Database (gnomAD). The available evidence is insufficient to determine the role of this variant in disease conclusively. Therefore, this variant is classified as a Variant of Uncertain Significance.

CeGaT Center for Human Genetics Tuebingen
Classification: Uncertain significance. Last evaluated: 2025-02-01. Review status: criteria provided, single submitter. Criteria: CeGaT Center For Human Genetics Tuebingen Variant Classification Criteria Version 2. Collection method: clinical testing. Allele origin: germline. Affected: yes. Observed: 1 variant allele.
Comment: BRCA2: PM2, BP4

Ambry Genetics
Classification: Uncertain significance for Hereditary cancer-predisposing syndrome. Last evaluated: 2024-05-31. Review status: criteria provided, single submitter. Criteria: Ambry Variant Classification Scheme 2023. Collection method: clinical testing. Allele origin: germline.
Comment: The p.K1875T variant (also known as c.5624A>C), located in coding exon 10 of the BRCA2 gene, results from an A to C substitution at nucleotide position 5624. The lysine at codon 1875 is replaced by threonine, an amino acid with similar properties. This variant was detected in 1/1664 Chinese Hakka patients with breast and/or ovarian cancer (Zhang Y et al. BMC Cancer, 2022 Aug;22:842). This amino acid position is not well conserved in available vertebrate species. In addition, this alteration is predicted to be tolerated by in silico analysis. Based on the available evidence, the clinical significance of this variant remains unclear.

University of Washington Department of Laboratory Medicine, University of Washington
Classification: Likely benign for Hereditary cancer-predisposing syndrome. Last evaluated: 2023-03-23. Review status: criteria provided, single submitter. Criteria: Dines et al. (Genet Med. 2020). Collection method: curation. Allele origin: germline.
Comment: Missense variant in a coldspot region where missense variants are very unlikely to be pathogenic (PMID:31911673).

BRCA2 exon 11 coldspot. Reclassification based on statistical prior probability.

Center for Precision Medicine, Meizhou People's Hospital
Classification: Uncertain significance for Familial cancer of breast. Review status: no assertion criteria provided. Collection method: curation. Allele origin: germline. Affected: yes. Not counted in ClinVar's aggregate classification.

Literature cited by the submitters: PubMed 35918668 (cited by Labcorp Genetics (formerly Invitae), Labcorp and Ambry Genetics); PubMed 31131967 (cited by Color Diagnostics, LLC DBA Color Health); PubMed 33471991 (cited by Color Diagnostics, LLC DBA Color Health).

NM_000059.4(BRCA2):c.5624A>C (p.Lys1875Thr)

Gene: BRCA2 (BRCA2 DNA repair associated; plus strand). Cytogenetic location: 13q13.1.
Variant type: single nucleotide variant.
Coding change: c.5624A>C on transcript NM_000059.4 (MANE Select); coding-DNA position 5624, A replaced by C.
Protein change: p.Lys1875Thr; replaces lysine 1875 with threonine.
Molecular consequence: missense variant.
Genome position (GRCh38, 1-based): chr13:32,339,979, A>C. VCF-style: chr13-32339979-A-C. GRCh37 (hg19) VCF-style: chr13-32914116-A-C.
Other names: short protein forms K1875T.
Identifiers: ClinVar variation 638886 (VCV000638886.34), dbSNP rs587782583, ClinGen allele CA6940890.